The following is an entry in ClinVar:

ClinVar aggregate classification (germline): Uncertain significance (1 of 4 stars; one submission).

Conditions:
LAMA2-related muscular dystrophy (LAMA2-RD). Also called: Laminin alpha 2-related dystrophy. Identifiers: MedGen C5679788, MONDO:0100228.

gnomAD v4.1: 2 of 1,614,108 alleles (0.00012%); highest among the groups gnomAD compares: Middle Eastern, 0.016%; no homozygotes.

Submission:

Labcorp Genetics (formerly Invitae), Labcorp
Classification: Uncertain significance for LAMA2-related muscular dystrophy. Last evaluated: 2024-03-27. Review status: criteria provided, single submitter. Criteria: Invitae Variant Classification Sherloc (09022015). Collection method: clinical testing. Allele origin: germline.
Comment: This sequence change replaces isoleucine, which is neutral and non-polar, with asparagine, which is neutral and polar, at codon 3082 of the LAMA2 protein (p.Ile3082Asn). This variant is present in population databases (rs772362189, gnomAD 0.0009%). This variant has not been reported in the literature in individuals affected with LAMA2-related conditions. Advanced modeling of protein sequence and biophysical properties (such as structural, functional, and spatial information, amino acid conservation, physicochemical variation, residue mobility, and thermodynamic stability) performed at Invitae indicates that this missense variant is not expected to disrupt LAMA2 protein function with a negative predictive value of 95%. In summary, the available evidence is currently insufficient to determine the role of this variant in disease. Therefore, it has been classified as a Variant of Uncertain Significance.

NM_000426.4(LAMA2):c.9245T>A (p.Ile3082Asn)

Gene: LAMA2 (laminin subunit alpha 2; plus strand). Cytogenetic location: 6q22.33.
Variant type: single nucleotide variant.
Coding change: c.9245T>A on transcript NM_000426.4 (MANE Select); coding-DNA position 9245, T replaced by A.
Protein change: p.Ile3082Asn; replaces isoleucine 3082 with asparagine.
Molecular consequence: missense variant.
Genome position (GRCh38, 1-based): chr6:129,516,223, T>A. VCF-style: chr6-129516223-T-A. GRCh37 (hg19) VCF-style: chr6-129837368-T-A.
Other names: c.9233T>A, p.Ile3078Asn (NM_001079823.2); short protein forms I3078N, I3082N.
Identifiers: ClinVar variation 3705917 (VCV003705917.2).